The following is an entry in ClinVar:

ClinVar aggregate classification (germline): Uncertain significance (1 of 4 stars; one submission).

Conditions:
Neuropathy, hereditary sensory, type 1F. Also called: HSN IF; Hereditary sensory neuropathy type IF. Identifiers: Orphanet 36386, MedGen C3810194, MONDO:0014286, OMIM 615632.

Submission:

Labcorp Genetics (formerly Invitae), Labcorp
Classification: Uncertain significance for Neuropathy, hereditary sensory, type 1F. Last evaluated: 2024-08-06. Review status: criteria provided, single submitter. Criteria: Invitae Variant Classification Sherloc (09022015). Collection method: clinical testing. Allele origin: germline.
Comment: This sequence change replaces tyrosine, which is neutral and polar, with asparagine, which is neutral and polar, at codon 85 of the ATL3 protein (p.Tyr85Asn). This variant is not present in population databases (gnomAD no frequency). This variant has not been reported in the literature in individuals affected with ATL3-related conditions. An algorithm developed to predict the effect of missense changes on protein structure and function (PolyPhen-2) suggests that this variant is likely to be disruptive. In summary, the available evidence is currently insufficient to determine the role of this variant in disease. Therefore, it has been classified as a Variant of Uncertain Significance.

NM_015459.5(ATL3):c.253T>A (p.Tyr85Asn)

Gene: ATL3 (atlastin GTPase 3; minus strand). Cytogenetic location: 11q13.1.
Variant type: single nucleotide variant.
Coding change: c.253T>A on transcript NM_015459.5 (MANE Select); coding-DNA position 253, T replaced by A.
Protein change: p.Tyr85Asn; replaces tyrosine 85 with asparagine.
Molecular consequence: missense variant.
Genome position (GRCh38, 1-based): chr11:63,659,046, A>T on the plus strand (T>A on the coding strand, the complement: ATL3 is on the minus strand). VCF-style: chr11-63659046-A-T. GRCh37 (hg19) VCF-style: chr11-63426518-A-T.
Other names: c.199T>A, p.Tyr67Asn (NM_001290048.2); short protein forms Y85N, Y67N.
Identifiers: ClinVar variation 3721173 (VCV003721173.2).